The following is an entry in ClinVar:

NM_001272046.2(VWA2):c.948C>T (p.Asp316=)

Genes: AFAP1L2 (actin filament associated protein 1 like 2; minus strand), VWA2 (von Willebrand factor A domain containing 2; plus strand). Cytogenetic location: 10q25.3.
Variant type: single nucleotide variant.
Coding change: c.948C>T on transcript NM_001272046.2 (MANE Select); coding-DNA position 948, C replaced by T.
Protein change: p.Asp316=; no amino-acid change (aspartic acid 316 retained).
Molecular consequence: synonymous variant.
Genome position (GRCh38, 1-based): chr10:114,284,921, C>T. VCF-style: chr10-114284921-C-T. GRCh37 (hg19) VCF-style: chr10-116044680-C-T.
Other names: c.948C>T, p.Asp316= (NM_001320804.1).
Identifiers: ClinVar variation 3051730 (VCV003051730.2), dbSNP rs140930475, ClinGen allele CA5700532.

ClinVar aggregate classification (germline): Likely benign (0 of 4 stars; one submission).

Conditions:
VWA2-related disorder. Also called: VWA2-related condition.

Allele frequency attached by ClinVar (database versions not stated): ExAC 0.00010; 1000 Genomes Project 30x 0.00016; TOPMed 0.00018; gnomAD 0.00019; 1000 Genomes Project 0.00020; ESP Exome Variant Server 0.00023.
gnomAD v4.1: 223 of 1,605,416 alleles (0.014%); highest among the groups gnomAD compares: African/African-American, 0.055%; no homozygotes.

Submission:

PreventionGenetics, part of Exact Sciences
Classification: Likely benign for VWA2-related condition. Last evaluated: 2020-02-10. Review status: no assertion criteria provided. Collection method: clinical testing. Allele origin: germline.
Comment: This variant is classified as likely benign based on ACMG/AMP sequence variant interpretation guidelines (Richards et al. 2015 PMID: 25741868, with internal and published modifications).